The following is an entry in ClinVar:

NM_000138.5(FBN1):c.164+1G>C

Gene: FBN1 (fibrillin 1; minus strand). Cytogenetic location: 15q21.1.
Variant type: single nucleotide variant.
Coding change: c.164+1G>C on transcript NM_000138.5 (MANE Select); the canonical splice donor site of the intron after coding-DNA position 164, G replaced by C.
Molecular consequence: splice donor variant.
Genome position (GRCh38, 1-based): chr15:48,644,605, C>G on the plus strand (G>C on the coding strand, the complement: FBN1 is on the minus strand). VCF-style: chr15-48644605-C-G. GRCh37 (hg19) VCF-style: chr15-48936802-C-G.
Other names: c.164+1G>C (NM_001406716.1, NM_001406717.1, NM_001406718.1).
Identifiers: ClinVar variation 1777023 (VCV001777023.3), dbSNP rs794728213, ClinGen allele CA392453397.

ClinVar aggregate classification (germline): Pathogenic/Likely pathogenic. Review status: criteria provided, multiple submitters, no conflicts (2 of 4 stars). 2 submissions from 2 submitters: Pathogenic (1); Likely pathogenic (1). Last evaluated 2025-04-09.

Conditions:
Thoracic aortic aneurysm or dissection.
Familial thoracic aortic aneurysm and aortic dissection (TAAD). Also called: Thoracic aortic aneurysms and dissections. Identifiers: Orphanet 91387, MedGen C4707243, MONDO:0019625.

Submissions (2):

NHS Central & South Genomic Laboratory Hub
Classification: Pathogenic for Thoracic aortic aneurysm or dissection. Last evaluated: 2025-04-09. Review status: criteria provided, single submitter. Criteria: ACMG Guidelines, 2015. Collection method: clinical testing. Allele origin: germline. Affected: yes.

Ambry Genetics
Classification: Likely pathogenic for Familial thoracic aortic aneurysm and aortic dissection. Last evaluated: 2019-04-01. Review status: criteria provided, single submitter. Criteria: Ambry Variant Classification Scheme 2023. Collection method: clinical testing. Allele origin: germline.
Comment: The c.164+1G>C intronic variant results from a G to C substitution one nucleotide after coding exon 1 of the FBN1 gene. Other variants at this position (c.164+1G>A and c.164+1G>T) have been reported in Marfan syndrome cohorts; however, detail was limited or patients did not completely fulfill diagnostic criteria (Comeglio P et al. Hum. Mutat., 2007 Sep;28:928; Aalberts JJ et al. Gene, 2014 Jan;534:40-3). This nucleotide position is highly conserved in available vertebrate species. Using the BDGP and ESEfinder splice site prediction tools, this alteration is predicted to abolish the native splice donor site; however, direct evidence is unavailable. Alterations that disrupt the canonical splice site are expected to cause aberrant splicing, resulting in an abnormal protein or a transcript that is subject to nonsense-mediated mRNA decay. As such, this alteration is classified as likely pathogenic.

Literature cited by the submitters: PubMed 17657824 (cited by Ambry Genetics); PubMed 24161884 (cited by Ambry Genetics); PubMed 24793577 (cited by Ambry Genetics).